The following is an entry in ClinVar:

NM_005654.6(NR2F1):c.317G>A (p.Cys106Tyr)

Genes: NR2F1 (nuclear receptor subfamily 2 group F member 1; plus strand), NR2F1-AS1 (NR2F1 regulatory antisense RNA 1; minus strand). Cytogenetic location: 5q15.
Variant type: single nucleotide variant.
Coding change: c.317G>A on transcript NM_005654.6 (MANE Select); coding-DNA position 317, G replaced by A.
Protein change: p.Cys106Tyr; replaces cysteine 106 with tyrosine.
Molecular consequence: missense variant.
Genome position (GRCh38, 1-based): chr5:93,585,340, G>A. VCF-style: chr5-93585340-G-A. GRCh37 (hg19) VCF-style: chr5-92921046-G-A.
Other names: short protein forms C106Y.
Identifiers: ClinVar variation 430195 (VCV000430195.10), dbSNP rs1131691826, ClinGen allele CA360526005.

ClinVar aggregate classification (germline): Pathogenic/Likely pathogenic. Review status: criteria provided, multiple submitters, no conflicts (2 of 4 stars). 3 submissions from 3 submitters: Pathogenic (1); Likely pathogenic (2). Last evaluated 2023-03-24.

Conditions:
Inborn genetic diseases. Identifiers: MedGen C0950123, MeSH D030342.
NR2F1-related disorder. Also called: NR2F1-related condition.

Submissions (3):

GeneDx
Classification: Pathogenic. Last evaluated: 2023-03-24. Review status: criteria provided, single submitter. Criteria: GeneDx Variant Classification Process June 2021. Collection method: clinical testing. Allele origin: germline. Affected: yes.
Comment: Not observed at significant frequency in large population cohorts (gnomAD); In silico analysis supports that this missense variant has a deleterious effect on protein structure/function; Has not been previously published as pathogenic or benign to our knowledge; This variant is associated with the following publications: (PMID: 26986877)

Blueprint Genetics
Classification: Likely pathogenic for NR2F1-related disorders. Last evaluated: 2021-12-02. Review status: criteria provided, single submitter. Criteria: ACMG Guidelines, 2015. Collection method: clinical testing. Allele origin: germline. Affected: yes. Observed: 1 variant allele.

Ambry Genetics
Classification: Likely pathogenic for Inborn genetic diseases. Last evaluated: 2018-05-18. Review status: criteria provided, single submitter. Criteria: Ambry exome assertion method (8-5-2015). Collection method: clinical testing. Allele origin: germline. Affected: yes. Observed: 1 variant allele.